The following is an entry in ClinVar:

NM_025216.3(WNT10A):c.68G>A (p.Trp23Ter)

Gene: WNT10A (Wnt family member 10A; plus strand). Cytogenetic location: 2q35.
Variant type: single nucleotide variant.
Coding change: c.68G>A on transcript NM_025216.3 (MANE Select); coding-DNA position 68, G replaced by A.
Protein change: p.Trp23Ter; replaces tryptophan 23 with a stop codon.
Molecular consequence: nonsense.
Genome position (GRCh38, 1-based): chr2:218,881,063, G>A. VCF-style: chr2-218881063-G-A. GRCh37 (hg19) VCF-style: chr2-219745785-G-A.
Other names: c.68G>A (NM_025216.2); short protein forms W23*.
Identifiers: ClinVar variation 2026165 (VCV002026165.5), dbSNP rs1220645831, ClinGen allele CA350616982.

ClinVar aggregate classification (germline): Pathogenic/Likely pathogenic. Review status: criteria provided, multiple submitters, no conflicts (2 of 4 stars). 2 submissions from 2 submitters: Pathogenic (1); Likely pathogenic (1). Last evaluated 2024-06-03.

Conditions:
Tooth agenesis, selective, 4 (STHAG4). Also called: SUCCEDANEOUS TEETH, AGENESIS OF; TOOTH AGENESIS, SELECTIVE, 4, WITH OR WITHOUT ECTODERMAL DYSPLASIA; LATERAL INCISORS, ABSENCE OF; LATERAL INCISORS, PEGGED OR MISSING. Identifiers: Orphanet 99798, MedGen C1835492, MONDO:0007881, OMIM 150400. Disease mechanism: loss of function.
Odonto-onycho-dermal dysplasia. Identifiers: Orphanet 2721, MedGen C0796093, MONDO:0009773, OMIM 257980.
Schöpf-Schulz-Passarge syndrome. Also called: ECCRINE TUMORS WITH ECTODERMAL DYSPLASIA; SchC6pf-Schulz-Passarge syndrome; KERATOSIS PALMOPLANTARIS WITH CYSTIC EYELIDS, HYPODONTIA, AND HYPOTRICHOSIS. Identifiers: Orphanet 50944, MedGen C1857069, MONDO:0009145, OMIM 224750.

Submissions (2):

Natera, Inc.
Classification: Likely pathogenic for Schopf-Schulz-Passarge syndrome. Last evaluated: 2024-06-03. Review status: criteria provided, single submitter. Criteria: Natera Variant Classification Schema (03/2026). Collection method: clinical testing. Allele origin: germline.
Comment: The c.68G>A variant in WNT10A is a nonsense variant predicted to introduce a stop codon at amino acid 23. This variant is expected to result in nonsense mediated decay, truncation, or a dysfunctional protein product. This variant is rare in the general population with a frequency below the threshold expected for the associated phenotype(s). Given the available evidence, this variant is classified as Likely Pathogenic.

Labcorp Genetics (formerly Invitae), Labcorp
Classification: Pathogenic for Tooth agenesis, selective, 4; Odonto-onycho-dermal dysplasia. Last evaluated: 2022-08-22. Review status: criteria provided, single submitter. Criteria: Invitae Variant Classification Sherloc (09022015). Collection method: clinical testing. Allele origin: germline.
Comment: This variant has not been reported in the literature in individuals affected with WNT10A-related conditions. For these reasons, this variant has been classified as Pathogenic. This variant is not present in population databases (gnomAD no frequency). This sequence change creates a premature translational stop signal (p.Trp23*) in the WNT10A gene. It is expected to result in an absent or disrupted protein product. Loss-of-function variants in WNT10A are known to be pathogenic (PMID: 17847007, 22581971, 25629078).

Literature cited by the submitters: PubMed 17847007 (cited by Labcorp Genetics (formerly Invitae), Labcorp); PubMed 22581971 (cited by Labcorp Genetics (formerly Invitae), Labcorp); PubMed 25629078 (cited by Labcorp Genetics (formerly Invitae), Labcorp).